The following is an entry in ClinVar:

ClinVar aggregate classification (germline): Likely benign (1 of 4 stars; one submission).

Submission:

CeGaT Center for Human Genetics Tuebingen
Classification: Likely benign. Last evaluated: 2025-10-01. Review status: criteria provided, single submitter. Criteria: CeGaT Center For Human Genetics Tuebingen Variant Classification Criteria Version 2. Collection method: clinical testing. Allele origin: germline. Affected: yes. Observed: 1 variant allele.
Comment: PRAMEF7: BP4, BP7

NM_001012277.5(PRAMEF7):c.948G>A (p.Pro316=)

Gene: PRAMEF7 (PRAME family member 7; plus strand). Cytogenetic location: 1p36.21.
Variant type: single nucleotide variant.
Coding change: c.948G>A on transcript NM_001012277.5 (MANE Select); coding-DNA position 948, G replaced by A.
Protein change: p.Pro316=; no amino-acid change (proline 316 retained).
Molecular consequence: synonymous variant.
Genome position (GRCh38, 1-based): chr1:12,919,936, G>A. VCF-style: chr1-12919936-G-A. GRCh37 (hg19) VCF-style: chr1-12979756-G-A.
Identifiers: ClinVar variation 4533588 (VCV004533588.6).